The following is an entry in ClinVar:

NM_052947.4(ALPK2):c.2042C>T (p.Ser681Phe)

Gene: ALPK2 (alpha kinase 2; minus strand). Cytogenetic location: 18q21.31.
Variant type: single nucleotide variant.
Coding change: c.2042C>T on transcript NM_052947.4 (MANE Select); coding-DNA position 2042, C replaced by T.
Protein change: p.Ser681Phe; replaces serine 681 with phenylalanine.
Molecular consequence: missense variant.
Genome position (GRCh38, 1-based): chr18:58,538,145, G>A on the plus strand (C>T on the coding strand, the complement: ALPK2 is on the minus strand). VCF-style: chr18-58538145-G-A. GRCh37 (hg19) VCF-style: chr18-56205377-G-A.
Other names: short protein forms S681F.
Identifiers: ClinVar variation 1784926 (VCV001784926.2), dbSNP rs2518878195, ClinGen allele CA402571832.

ClinVar aggregate classification (germline): Uncertain significance (1 of 4 stars; one submission).

Submission:

Ambry Genetics
Classification: Uncertain significance. Last evaluated: 2023-12-22. Review status: criteria provided, single submitter. Criteria: Ambry Variant Classification Scheme 2023. Collection method: clinical testing. Allele origin: germline.
Comment: The p.S681F variant (also known as c.2042C>T), located in coding exon 4 of the ALPK2 gene, results from a C to T substitution at nucleotide position 2042. The serine at codon 681 is replaced by phenylalanine, an amino acid with highly dissimilar properties. This amino acid position is conserved. In addition, this alteration is predicted to be tolerated by in silico analysis. Since supporting evidence is limited at this time, the clinical significance of this alteration remains unclear.